The following is an entry in ClinVar:

NM_000368.5(TSC1):c.2503-19G>A

Gene: TSC1 (TSC complex subunit 1; minus strand). Cytogenetic location: 9q34.13.
Variant type: single nucleotide variant.
Coding change: c.2503-19G>A on transcript NM_000368.5 (MANE Select); 19 bases into the intron before coding-DNA position 2503, G replaced by A.
Molecular consequence: intron variant.
Genome position (GRCh38, 1-based): chr9:132,900,856, C>T on the plus strand (G>A on the coding strand, the complement: TSC1 is on the minus strand). VCF-style: chr9-132900856-C-T. GRCh37 (hg19) VCF-style: chr9-135776243-C-T.
Other names: c.2137-19G>A (NM_001406620.1, NM_001406621.1, NM_001406622.1 and 1 more transcripts); c.2140-19G>A (NM_001406618.1, NM_001406617.1, NM_001406619.1 and 4 more transcripts); c.2095-19G>A (NM_001406625.1); c.2305-19G>A (NM_001406613.1); c.2347-19G>A (NM_001406612.1, NM_001406611.1); c.2350-19G>A (NM_001406610.1, NM_001162427.2); c.1549-19G>A (NM_001406627.1, NM_001406628.1); c.1450-19G>A (NM_001406629.1, NM_001406630.1); and 8 more.
Identifiers: ClinVar variation 3728524 (VCV003728524.3).
Genomic context (GRCh38, chr9:132,900,856, plus strand): 5'-CAAGAACTCCATCTGCTGCTGGACCGACTCACTGTTTGAGAGCTAACCAAAAAACATGAG[C>T]AAAGTGAAAAATCCGACGACATAAAACTAGCACATAGACGTCATTAAACAGGGAATCAGC-3'

ClinVar aggregate classification (germline): Likely benign. Review status: criteria provided, multiple submitters, no conflicts (2 of 4 stars). 2 submissions from 2 submitters: Likely benign (2). Last evaluated 2025-04-25.

Conditions:
Tuberous sclerosis 1 (TSC1). Identifiers: Orphanet 805, MedGen C1854465, MONDO:0008612, OMIM 191100.

Submissions (2):

Myriad Genetics, Inc.
Classification: Likely benign for Tuberous sclerosis 1. Last evaluated: 2025-04-25. Review status: criteria provided, single submitter. Criteria: Myriad Autosomal Dominant, Autosomal Recessive and X-Linked Classification Criteria (2023). Collection method: clinical testing. Allele origin: unknown.
Comment: This variant is considered likely benign. This variant is intronic and is not expected to impact mRNA splicing.

Labcorp Genetics (formerly Invitae), Labcorp
Classification: Likely benign for Tuberous sclerosis 1. Last evaluated: 2025-01-06. Review status: criteria provided, single submitter. Criteria: Invitae Variant Classification Sherloc (09022015). Collection method: clinical testing. Allele origin: germline.